The following is an entry in ClinVar:

ClinVar aggregate classification (germline): Likely benign. Review status: criteria provided, multiple submitters, no conflicts (2 of 4 stars). 3 submissions from 3 submitters: Likely benign (3). Last evaluated 2025-08-31.

Conditions:
Cardiovascular phenotype. Identifiers: MedGen CN230736.
Primary dilated cardiomyopathy (DCM). Also called: Dilated Cardiomyopathy. Identifiers: Orphanet 217604, MedGen C0007193, MeSH D002311, MONDO:0005021, HP:0001644. Inheritance: Various modes of inheritance.

Allele frequency attached by ClinVar (database versions not stated): TOPMed 0.00002; ExAC 0.00003; gnomAD 0.00003; gnomAD exomes 0.00003 and 0.00009.
gnomAD v4.1: 133 of 1,614,058 alleles (0.0082%); highest among the groups gnomAD compares: Middle Eastern, 0.016%; no homozygotes.

Submissions (3):

Labcorp Genetics (formerly Invitae), Labcorp
Classification: Likely benign for Primary dilated cardiomyopathy. Last evaluated: 2025-08-31. Review status: criteria provided, single submitter. Criteria: Invitae Variant Classification Sherloc (09022015). Collection method: clinical testing. Allele origin: germline.

Ambry Genetics
Classification: Likely benign for Cardiovascular phenotype. Last evaluated: 2019-12-13. Review status: criteria provided, single submitter. Criteria: Ambry Variant Classification Scheme 2023. Collection method: clinical testing. Allele origin: germline.

GeneDx
Classification: Likely benign. Last evaluated: 2017-02-09. Review status: criteria provided, single submitter. Criteria: GeneDx Variant Classification (06012015). Collection method: clinical testing. Allele origin: germline. Affected: yes.
Comment: This variant is considered likely benign or benign based on one or more of the following criteria: it is a conservative change, it occurs at a poorly conserved position in the protein, it is predicted to be benign by multiple in silico algorithms, and/or has population frequency not consistent with disease.

NM_006440.5(TXNRD2):c.489C>T (p.Asp163=)

Gene: TXNRD2 (thioredoxin reductase 2; minus strand). Cytogenetic location: 22q11.21.
Variant type: single nucleotide variant.
Coding change: c.489C>T on transcript NM_006440.5 (MANE Select); coding-DNA position 489, C replaced by T.
Protein change: p.Asp163=; no amino-acid change (aspartic acid 163 retained).
Molecular consequence: synonymous variant. On other transcripts: non-coding transcript variant (1).
Genome position (GRCh38, 1-based): chr22:19,915,804, G>A on the plus strand (C>T on the coding strand, the complement: TXNRD2 is on the minus strand). VCF-style: chr22-19915804-G-A. GRCh37 (hg19) VCF-style: chr22-19903327-G-A.
Other names: c.489C>T, p.Asp163= (NM_001282512.3); c.486C>T, p.Asp162= (NM_001352300.2); c.399C>T, p.Asp133= (NM_001352301.2); c.201C>T, p.Asp67= (NM_001352302.2); c.393C>T, p.Asp131= (NM_001352303.2).
Identifiers: ClinVar variation 517747 (VCV000517747.12), dbSNP rs751116028, ClinGen allele CA10104181.